The following is an entry in ClinVar:

ClinVar aggregate classification (germline): Uncertain significance. Review status: criteria provided, multiple submitters, no conflicts (2 of 4 stars). 2 submissions from 2 submitters: Uncertain significance (2). Last evaluated 2024-04-25.

Allele frequency attached by ClinVar (database versions not stated): gnomAD exomes 0.00001.
gnomAD v4.1: 3 of 1,613,996 alleles (0.00019%); highest among the groups gnomAD compares: Middle Eastern, 0.017%; no homozygotes.

Submissions (2):

Labcorp Genetics (formerly Invitae), Labcorp
Classification: Uncertain significance. Last evaluated: 2024-04-25. Review status: criteria provided, single submitter. Criteria: Invitae Variant Classification Sherloc (09022015). Collection method: clinical testing. Allele origin: germline.
Comment: This sequence change replaces glutamic acid, which is acidic and polar, with glycine, which is neutral and non-polar, at codon 2049 of the CEP250 protein (p.Glu2049Gly). This variant is not present in population databases (gnomAD no frequency). This variant has not been reported in the literature in individuals affected with CEP250-related conditions. ClinVar contains an entry for this variant (Variation ID: 1009596). Algorithms developed to predict the effect of missense changes on protein structure and function output the following: SIFT: "Not Available"; PolyPhen-2: "Benign"; Align-GVGD: "Not Available". The glycine amino acid residue is found in multiple mammalian species, which suggests that this missense change does not adversely affect protein function. In summary, the available evidence is currently insufficient to determine the role of this variant in disease. Therefore, it has been classified as a Variant of Uncertain Significance.

GeneDx
Classification: Uncertain significance. Last evaluated: 2024-01-10. Review status: criteria provided, single submitter. Criteria: GeneDx Variant Classification Process June 2021. Collection method: clinical testing. Allele origin: germline. Affected: yes.
Comment: Not observed at significant frequency in large population cohorts (gnomAD); In silico analysis supports that this missense variant has a deleterious effect on protein structure/function; Has not been previously published as pathogenic or benign to our knowledge

NM_007186.6(CEP250):c.6146A>G (p.Glu2049Gly)

Gene: CEP250 (centrosomal protein 250; plus strand). Cytogenetic location: 20q11.22.
Variant type: single nucleotide variant.
Coding change: c.6146A>G on transcript NM_007186.6 (MANE Select); coding-DNA position 6146, A replaced by G.
Protein change: p.Glu2049Gly; replaces glutamic acid 2049 with glycine.
Molecular consequence: missense variant.
Genome position (GRCh38, 1-based): chr20:35,504,515, A>G. VCF-style: chr20-35504515-A-G. GRCh37 (hg19) VCF-style: chr20-34092343-A-G.
Other names: c.4250A>G, p.Glu1417Gly (NM_001318219.1); c.6146A>G (NM_007186.4); short protein forms E1417G, E2049G.
Identifiers: ClinVar variation 1009596 (VCV001009596.6), dbSNP rs2064125657, ClinGen allele CA408756172.
Genomic context (GRCh38, chr20:35,504,515, plus strand): 5'-AGGATCTCCGATACCAGGAGGATGTGCAGCAGCTGCAGCAGGCACTTGCCCAGAGGGATG[A>G]AGAGCTGAGACATCAGCAGGAACGGGAGCAGCTGCTGGAGAAGTCTCTGGCCCAGAGGGT-3'
Protein context (NP_009117.2, residues 2039-2059): QLQQALAQRD[Glu2049Gly]ELRHQQEREQ